The following is an entry in ClinVar:

ClinVar aggregate classification (germline): Uncertain significance. Review status: criteria provided, multiple submitters, no conflicts (2 of 4 stars). 2 submissions from 2 submitters: Uncertain significance (2). Last evaluated 2025-12-19.

Conditions:
Hereditary cancer-predisposing syndrome. Also called: Tumor predisposition; Hereditary Cancer Syndrome; Hereditary neoplastic syndrome; Neoplastic Syndromes, Hereditary. Identifiers: Orphanet 140162, MedGen C0027672, MeSH D009386, MONDO:0015356.

gnomAD v4.1: 8 of 1,586,364 alleles (0.0005%); highest among the groups gnomAD compares: African/African-American, 0.0013%; no homozygotes.

Submissions (2):

Labcorp Genetics (formerly Invitae), Labcorp
Classification: Uncertain significance. Last evaluated: 2025-12-19. Review status: criteria provided, single submitter. Criteria: Invitae Variant Classification Sherloc (09022015). Collection method: clinical testing. Allele origin: germline.
Comment: This sequence change replaces arginine, which is basic and polar, with leucine, which is neutral and non-polar, at codon 30 of the NTHL1 protein (p.Arg30Leu). The frequency data for this variant in the population databases is considered unreliable, as metrics indicate poor data quality at this position in the gnomAD database. This variant has not been reported in the literature in individuals affected with NTHL1-related conditions. ClinVar contains an entry for this variant (Variation ID: 1441975). An algorithm developed to predict the effect of missense changes on protein structure and function outputs the following: PolyPhen-2: "Benign". The leucine amino acid residue is found in multiple mammalian species, which suggests that this missense change does not adversely affect protein function. In summary, the available evidence is currently insufficient to determine the role of this variant in disease. Therefore, it has been classified as a Variant of Uncertain Significance.

Ambry Genetics
Classification: Uncertain significance for Hereditary cancer-predisposing syndrome. Last evaluated: 2023-03-22. Review status: criteria provided, single submitter. Criteria: Ambry Variant Classification Scheme 2023. Collection method: clinical testing. Allele origin: germline.
Comment: The p.R30L variant (also known as c.89G>T), located in coding exon 1 of the NTHL1 gene, results from a G to T substitution at nucleotide position 89. The arginine at codon 30 is replaced by leucine, an amino acid with dissimilar properties. This amino acid position is conserved. In addition, this alteration is predicted to be tolerated by in silico analysis. Since supporting evidence is limited at this time, the clinical significance of this alteration remains unclear.

NM_002528.7(NTHL1):c.65G>T (p.Arg22Leu)

Gene: NTHL1 (nth like DNA glycosylase 1; minus strand). Cytogenetic location: 16p13.3.
Variant type: single nucleotide variant.
Coding change: c.65G>T on transcript NM_002528.7 (MANE Select); coding-DNA position 65, G replaced by T.
Protein change: p.Arg22Leu; replaces arginine 22 with leucine.
Molecular consequence: missense variant. On other transcripts: 5 prime UTR variant (1).
Genome position (GRCh38, 1-based): chr16:2,047,759, C>A on the plus strand (G>T on the coding strand, the complement: NTHL1 is on the minus strand). VCF-style: chr16-2047759-C-A. GRCh37 (hg19) VCF-style: chr16-2097760-C-A.
Other names: c.89G>T (NM_002528.5); c.65G>T, p.Arg22Leu (NM_001318193.2); c.-114G>T (NM_001318194.2); short protein forms R22L.
Identifiers: ClinVar variation 1441975 (VCV001441975.7), dbSNP rs779612126, ClinGen allele CA027877.